The following is an entry in ClinVar:

ClinVar aggregate classification (germline): Benign/Likely benign. Review status: criteria provided, multiple submitters, no conflicts (2 of 4 stars). 3 submissions from 3 submitters: Benign (1); Likely benign (1). 1 of the submissions does not count toward it. Last evaluated 2025-03-17.

Conditions:
CABP4-related disorder. Also called: CABP4-related condition.

Allele frequency attached by ClinVar (database versions not stated): gnomAD 0.00005 and 0.00007; gnomAD exomes 0.00006 and 0.00022; TOPMed 0.00014; ExAC 0.00021; 1000 Genomes Project 30x 0.00031; 1000 Genomes Project 0.00040.
gnomAD v4.1: 102 of 1,613,316 alleles (0.0063%); highest among the groups gnomAD compares: East Asian, 0.21%; no homozygotes.

Submissions (3):

Labcorp Genetics (formerly Invitae), Labcorp
Classification: Benign. Last evaluated: 2025-03-17. Review status: criteria provided, single submitter. Criteria: Invitae Variant Classification Sherloc (09022015). Collection method: clinical testing. Allele origin: germline.

Blueprint Genetics
Classification: Likely benign. Last evaluated: 2024-11-07. Review status: criteria provided, single submitter. Criteria: ACMG Guidelines, 2015. Collection method: clinical testing. Allele origin: germline.

PreventionGenetics, part of Exact Sciences
Classification: Likely benign for CABP4-related condition. Last evaluated: 2019-08-19. Review status: no assertion criteria provided. Collection method: clinical testing. Allele origin: germline. Not counted in ClinVar's aggregate classification.
Comment: This variant is classified as likely benign based on ACMG/AMP sequence variant interpretation guidelines (Richards et al. 2015 PMID: 25741868, with internal and published modifications).

NM_145200.5(CABP4):c.378G>A (p.Leu126=)

Gene: CABP4 (calcium binding protein 4; plus strand). Cytogenetic location: 11q13.2.
Variant type: single nucleotide variant.
Coding change: c.378G>A on transcript NM_145200.5 (MANE Select); coding-DNA position 378, G replaced by A.
Protein change: p.Leu126=; no amino-acid change (leucine 126 retained).
Molecular consequence: synonymous variant.
Genome position (GRCh38, 1-based): chr11:67,456,199, G>A. VCF-style: chr11-67456199-G-A. GRCh37 (hg19) VCF-style: chr11-67223670-G-A.
Other names: c.63G>A, p.Leu21= (NM_001300895.3, NM_001300896.3, NM_001379183.1); c.378G>A (NM_145200.3).
Identifiers: ClinVar variation 1169609 (VCV001169609.12), dbSNP rs202028180, ClinGen allele CA6140188.